The following is an entry in ClinVar:

NM_052947.4(ALPK2):c.37T>C (p.Cys13Arg)

Gene: ALPK2 (alpha kinase 2; minus strand). Cytogenetic location: 18q21.32.
Variant type: single nucleotide variant.
Coding change: c.37T>C on transcript NM_052947.4 (MANE Select); coding-DNA position 37, T replaced by C.
Protein change: p.Cys13Arg; replaces cysteine 13 with arginine.
Molecular consequence: missense variant.
Genome position (GRCh38, 1-based): chr18:58,611,761, A>G on the plus strand (T>C on the coding strand, the complement: ALPK2 is on the minus strand). VCF-style: chr18-58611761-A-G. GRCh37 (hg19) VCF-style: chr18-56278993-A-G.
Other names: short protein forms C13R.
Identifiers: ClinVar variation 1735062 (VCV001735062.3), dbSNP rs1169232931, ClinGen allele CA402558133.
Genomic context (GRCh38, chr18:58,611,761, plus strand): 5'-AGCGAAGCACAGCGTCTGACTTCTCAGGAACCTTCTGGGAAAGCAATGTAGATAAAAAAC[A>G]CAGCGGGGGCCTCTGGGGCCCTTCGGAGTCTTTCATCCTTTCATGCCGCACCAAATCTGA-3'
Protein context (NP_443179.3, residues 3-23): DSEGPQRPPL[Cys13Arg]FLSTLLSQKV

ClinVar aggregate classification (germline): Uncertain significance (1 of 4 stars; one submission).

Allele frequency attached by ClinVar (database versions not stated): gnomAD exomes below 0.00001.
gnomAD v4.1: 4 of 1,612,034 alleles (0.00025%); highest among the groups gnomAD compares: Non-Finnish European, 0.00034%; no homozygotes.

Submission:

Ambry Genetics
Classification: Uncertain significance. Last evaluated: 2024-09-02. Review status: criteria provided, single submitter. Criteria: Ambry Variant Classification Scheme 2023. Collection method: clinical testing. Allele origin: germline.
Comment: The p.C13R variant (also known as c.37T>C), located in coding exon 1 of the ALPK2 gene, results from a T to C substitution at nucleotide position 37. The cysteine at codon 13 is replaced by arginine, an amino acid with highly dissimilar properties. This amino acid position is conserved. In addition, this alteration is predicted to be tolerated by in silico analysis. Since supporting evidence is limited at this time, the clinical significance of this alteration remains unclear.